The following is an entry in ClinVar:

NM_004415.4(DSP):c.428T>C (p.Leu143Pro)

Gene: DSP (desmoplakin; plus strand). Cytogenetic location: 6p24.3.
Variant type: single nucleotide variant.
Coding change: c.428T>C on transcript NM_004415.4 (MANE Select); coding-DNA position 428, T replaced by C.
Protein change: p.Leu143Pro; replaces leucine 143 with proline.
Molecular consequence: missense variant.
Genome position (GRCh38, 1-based): chr6:7,559,231, T>C. VCF-style: chr6-7559231-T-C. GRCh37 (hg19) VCF-style: chr6-7559464-T-C.
Other names: c.428T>C, p.Leu143Pro (NM_001008844.3, NM_001319034.2); short protein forms L143P.
Identifiers: ClinVar variation 439623 (VCV000439623.13), dbSNP rs746545985, ClinGen allele CA041011.
Genomic context (GRCh38, chr6:7,559,231, plus strand): 5'-ACGGGTTTTCATAGGCTGTTTTCCTGCAGTGGTTTAAAGGTTTTTTTCTTTGCAGGCTTC[T>C]TCAGCTCCAAGAGCAAATGCGAGCCCTTTATAAAGCCATCAGTGTCCCTCGAGTCCGCAG-3'
Protein context (NP_004406.2, residues 133-153): QPCDAYQKRL[Leu143Pro]QLQEQMRALY

ClinVar aggregate classification (germline): Uncertain significance. Review status: criteria provided, multiple submitters, no conflicts (2 of 4 stars). 2 submissions from 2 submitters: Uncertain significance (2). Last evaluated 2022-04-02.

Conditions:
Arrhythmogenic right ventricular dysplasia 8 (ARVD8). Also called: Arrhythmogenic Right Ventricular Dysplasia/Cardiomyopathy 8; ARRHYTHMOGENIC RIGHT VENTRICULAR DYSPLASIA, FAMILIAL, 8; ARRHYTHMOGENIC RIGHT VENTRICULAR CARDIOMYOPATHY 8. Identifiers: MedGen C1843896, MONDO:0011831, OMIM 607450.
Arrhythmogenic cardiomyopathy with wooly hair and keratoderma. Also called: PALMOPLANTAR KERATODERMA WITH LEFT VENTRICULAR CARDIOMYOPATHY AND WOOLLY HAIR; Carvajal syndrome; Dilated cardiomyopathy with woolly hair and keratoderma; Arrhythmogenic cardiomyopathy with woolly hair and keratoderma. Identifiers: Orphanet 65282, MedGen C1854063, MONDO:0011581, OMIM 605676.

Allele frequency attached by ClinVar (database versions not stated): gnomAD exomes below 0.00001; ExAC 0.00001.
gnomAD v4.1: 1 of 1,613,990 alleles (0.000062%); highest among the groups gnomAD compares: Non-Finnish European, 0.000085%; no homozygotes.

Submissions (2):

Labcorp Genetics (formerly Invitae), Labcorp
Classification: Uncertain significance for Arrhythmogenic cardiomyopathy with wooly hair and keratoderma; Arrhythmogenic right ventricular dysplasia 8. Last evaluated: 2022-04-02. Review status: criteria provided, single submitter. Criteria: Invitae Variant Classification Sherloc (09022015). Collection method: clinical testing. Allele origin: germline.
Comment: This sequence change replaces leucine, which is neutral and non-polar, with proline, which is neutral and non-polar, at codon 143 of the DSP protein (p.Leu143Pro). This variant is present in population databases (rs746545985, gnomAD 0.0009%). This variant has not been reported in the literature in individuals affected with DSP-related conditions. ClinVar contains an entry for this variant (Variation ID: 439623). Algorithms developed to predict the effect of missense changes on protein structure and function are either unavailable or do not agree on the potential impact of this missense change (SIFT: "Tolerated"; PolyPhen-2: "Probably Damaging"; Align-GVGD: "Class C0"). In summary, the available evidence is currently insufficient to determine the role of this variant in disease. Therefore, it has been classified as a Variant of Uncertain Significance.

ARUP Laboratories, Molecular Genetics and Genomics, ARUP Laboratories
Classification: Uncertain significance. Last evaluated: 2016-11-16. Review status: criteria provided, single submitter. Criteria: ARUP Molecular Germline Variant Investigation Process. Collection method: clinical testing. Allele origin: germline.